The following is an entry in ClinVar:

ClinVar aggregate classification (germline): Uncertain significance. Review status: criteria provided, multiple submitters, no conflicts (2 of 4 stars). 5 submissions from 5 submitters: Uncertain significance (5). Last evaluated 2026-09-15.

Conditions:
MYO3A-related disorder. Also called: MYO3A-related condition.
Inborn genetic diseases. Identifiers: MedGen C0950123, MeSH D030342.

Allele frequency attached by ClinVar (database versions not stated): ExAC 0.00001; TOPMed 0.00002; gnomAD exomes 0.00001 and 0.00004.
gnomAD v4.1: 13 of 1,612,948 alleles (0.00081%); highest among the groups gnomAD compares: Admixed American, 0.018%; no homozygotes.

Submissions (5):

GeneDx
Classification: Uncertain significance. Last evaluated: 2026-09-15. Review status: criteria provided, single submitter. Criteria: GeneDx Variant Classification Process June 2021. Collection method: clinical testing. Allele origin: germline.
Comment: In silico analysis supports that this missense variant has a deleterious effect on protein structure/function; Observed in patients with sensorineural hearing loss in published literature, but patient-level clinical information is not available (PMID: 40069133); This variant is associated with the following publications: (PMID: 40069133)

PreventionGenetics, part of Exact Sciences
Classification: Uncertain significance for MYO3A-related condition. Last evaluated: 2026-07-27. Review status: criteria provided, single submitter. Criteria: ACMG Guidelines, 2015. Collection method: clinical testing. Allele origin: germline.
Comment: The MYO3A c.743C>G variant is predicted to result in the amino acid substitution p.Pro248Arg. To our knowledge, this variant has not been reported in the literature. This variant is reported in 0.029% of alleles in individuals of Latino descent in gnomAD. At this time, the clinical significance of this variant is uncertain due to the absence of conclusive functional and genetic evidence.

Ambry Genetics
Classification: Uncertain significance for Inborn genetic diseases. Last evaluated: 2024-07-10. Review status: criteria provided, single submitter. Criteria: Ambry Variant Classification Scheme 2023. Collection method: clinical testing. Allele origin: germline.

Labcorp Genetics (formerly Invitae), Labcorp
Classification: Uncertain significance. Last evaluated: 2024-05-07. Review status: criteria provided, single submitter. Criteria: Invitae Variant Classification Sherloc (09022015). Collection method: clinical testing. Allele origin: germline.
Comment: This sequence change replaces proline, which is neutral and non-polar, with arginine, which is basic and polar, at codon 248 of the MYO3A protein (p.Pro248Arg). This variant is present in population databases (rs780657075, gnomAD 0.03%). This variant has not been reported in the literature in individuals affected with MYO3A-related conditions. ClinVar contains an entry for this variant (Variation ID: 228987). An algorithm developed to predict the effect of missense changes on protein structure and function (PolyPhen-2) suggests that this variant is likely to be disruptive. In summary, the available evidence is currently insufficient to determine the role of this variant in disease. Therefore, it has been classified as a Variant of Uncertain Significance.

Laboratory for Molecular Medicine, Mass General Brigham Personalized Medicine
Classification: Uncertain significance. Last evaluated: 2015-08-11. Review status: criteria provided, single submitter. Criteria: LMM Criteria. Collection method: clinical testing. Allele origin: germline. Observed: 1 variant allele.
Comment: The p.Pro248Arg variant in MYO3A has not been previously reported in individuals with hearing loss, but has been identified in 1/11574 of Latino chromosomes by the Exome Aggregation Consortium (ExAC). Althoug h this variant has been seen in the general population, its frequency is not hig h enough to rule out a pathogenic role. Computational prediction tools and conse rvation analyses suggest that the Pro248Arg variant may impact the protein, thou gh this information is not predictive enough to determine pathogenicity. In summ ary, the clinical significance of the Pro248Arg variant is uncertain.

NM_017433.5(MYO3A):c.743C>G (p.Pro248Arg)

Gene: MYO3A (myosin IIIA; plus strand). Cytogenetic location: 10p12.1.
Variant type: single nucleotide variant.
Coding change: c.743C>G on transcript NM_017433.5 (MANE Select); coding-DNA position 743, C replaced by G.
Protein change: p.Pro248Arg; replaces proline 248 with arginine.
Molecular consequence: missense variant.
Genome position (GRCh38, 1-based): chr10:26,024,033, C>G. VCF-style: chr10-26024033-C-G. GRCh37 (hg19) VCF-style: chr10-26312962-C-G.
Other names: short protein forms P248R.
Identifiers: ClinVar variation 228987 (VCV000228987.11), dbSNP rs780657075, ClinGen allele CA5444433.